The following is an entry in ClinVar:

ClinVar aggregate classification (germline): Likely pathogenic (1 of 4 stars; one submission).

Conditions:
Agenesis of the corpus callosum with peripheral neuropathy (ACCPN). Also called: CHARLEVOIX DISEASE; POLYNEUROPATHY, SENSORIMOTOR, WITH OR WITHOUT AGENESIS OF THE CORPUS CALLOSUM; HMSN/ACC; Hereditary Motor and Sensory Neuropathy with Agenesis of the Corpus Callosum. Identifiers: Orphanet 1496, MedGen C0795950, MONDO:0000902, OMIM 218000. Disease mechanism: loss of function.

Submission:

Myriad Genetics, Inc.
Classification: Likely pathogenic for Agenesis of the corpus callosum with peripheral neuropathy. Last evaluated: 2021-12-31. Review status: criteria provided, single submitter. Criteria: Myriad Women's Health Autosomal Recessive and X-Linked Classification Criteria (2021). Collection method: clinical testing. Allele origin: unknown.
Comment: NM_133647.1(SLC12A6):c.2265_2266del2ins6(W755Cfs*14) is expected to be pathogenic in the context of Andermann syndrome. This variant is predicted to lead to an abnormal or absent protein product due to the creation of a premature termination codon in SLC12A6, a gene where loss-of-function variants are known to be pathogenic. Please note: this variant was assessed in the context of healthy population screening.

NM_001365088.1(SLC12A6):c.2265_2266delinsTAGATT (p.Trp755fs)

Gene: SLC12A6 (solute carrier family 12 member 6; minus strand). Cytogenetic location: 15q14.
Variant type: Indel.
Coding change: c.2265_2266delinsTAGATT on transcript NM_001365088.1 (MANE Select); coding-DNA positions 2265 to 2266, GA replaced by TAGATT.
Protein change: p.Trp755fs; shifts the reading frame from tryptophan 755.
Molecular consequence: frameshift variant.
Genome position (GRCh38, 1-based): chr15:34,241,234-34,241,235, TC replaced by AATCTA on the plus strand (GA replaced by TAGATT on the coding strand, the reverse complement: SLC12A6 is on the minus strand). VCF-style: chr15-34241234-TC-AATCTA. GRCh37 (hg19) VCF-style: chr15-34533435-TC-AATCTA.
Other names: c.2088_2089delinsTAGATT, p.Trp696fs (NM_001042494.2, NM_001042495.2); c.2238_2239delinsTAGATT, p.Trp746fs (NM_001042496.2); c.2220_2221delinsTAGATT, p.Trp740fs (NM_001042497.2); c.2112_2113delinsTAGATT, p.Trp704fs (NM_005135.2); c.2265_2266delinsTAGATT, p.Trp755fs (NM_133647.2); short protein forms W696fs, W704fs, W740fs, W746fs, W755fs.
Identifiers: ClinVar variation 1726741 (VCV001726741.2), dbSNP rs2509764019, ClinGen allele CA2580089243.